The following is an entry in ClinVar:

NM_000179.3(MSH6):c.688del (p.Glu230fs)

Gene: MSH6 (mutS homolog 6; plus strand). Cytogenetic location: 2p16.3.
Variant type: Deletion.
Coding change: c.688del on transcript NM_000179.3 (MANE Select); coding-DNA position 688, one base deleted (G; older notation c.688delG).
Protein change: p.Glu230fs; shifts the reading frame from glutamic acid 230.
Molecular consequence: frameshift variant. On other transcripts: 5 prime UTR variant (2).
Genome position (GRCh38, 1-based): chr2:47,798,671, G deleted; the last of 2 consecutive G bases (chr2:47,798,670-47,798,671); deleting either gives the same sequence. VCF-style (leftmost placement, unchanged base first): chr2-47798669-AG-A. GRCh37 (hg19) VCF-style: chr2-48025808-AG-A.
Other names: c.688delG (NM_000179.2); c.298del, p.Glu100fs (NM_001281492.2); c.-219del (NM_001281493.2, NM_001281494.2); short protein forms E230fs, E100fs.
Identifiers: ClinVar variation 857299 (VCV000857299.12), dbSNP rs1669245178, ClinGen allele CA916080275.

ClinVar aggregate classification (germline): Pathogenic/Likely pathogenic. Review status: criteria provided, multiple submitters, no conflicts (2 of 4 stars). 4 submissions from 4 submitters: Pathogenic (3); Likely pathogenic (1). Last evaluated 2024-12-08.

Conditions:
Hereditary nonpolyposis colorectal neoplasms. Identifiers: MedGen C0009405, MeSH D003123.
Lynch syndrome 5 (LYNCH5). Also called: Colorectal cancer, hereditary nonpolyposis, type 5; Hereditary non-polyposis colorectal cancer, type 5. Identifiers: Orphanet 144, MedGen C1833477, MONDO:0013710, OMIM 614350. Disease mechanism: loss of function.
Endometrial carcinoma. Also called: Endometrial carcinoma, somatic. Identifiers: MedGen C0476089, MONDO:0002447, OMIM 608089, HP:0012114.
Hereditary cancer-predisposing syndrome. Also called: Tumor predisposition; Hereditary neoplastic syndrome; Neoplastic Syndromes, Hereditary; Hereditary Cancer Syndrome. Identifiers: Orphanet 140162, MedGen C0027672, MeSH D009386, MONDO:0015356.

Submissions (4):

Labcorp Genetics (formerly Invitae), Labcorp
Classification: Pathogenic for Hereditary nonpolyposis colorectal neoplasms. Last evaluated: 2024-12-08. Review status: criteria provided, single submitter. Criteria: Invitae Variant Classification Sherloc (09022015). Collection method: clinical testing. Allele origin: germline.
Comment: This sequence change creates a premature translational stop signal (p.Glu230Lysfs*16) in the MSH6 gene. It is expected to result in an absent or disrupted protein product. Loss-of-function variants in MSH6 are known to be pathogenic (PMID: 18269114, 24362816). This variant is not present in population databases (gnomAD no frequency). This variant has not been reported in the literature in individuals affected with MSH6-related conditions. ClinVar contains an entry for this variant (Variation ID: 857299). For these reasons, this variant has been classified as Pathogenic.

Baylor Genetics
Classification: Likely pathogenic for Endometrial carcinoma. Last evaluated: 2023-12-15. Review status: criteria provided, single submitter. Criteria: ACMG Guidelines, 2015. Collection method: clinical testing. Allele origin: unknown.

Myriad Genetics, Inc.
Classification: Pathogenic for Lynch syndrome 5. Last evaluated: 2023-08-10. Review status: criteria provided, single submitter. Criteria: Myriad Autosomal Dominant, Autosomal Recessive and X-Linked Classification Criteria (2023). Collection method: clinical testing. Allele origin: unknown.
Comment: This variant is considered pathogenic. This variant creates a frameshift predicted to result in premature protein truncation.

Ambry Genetics
Classification: Pathogenic for Hereditary cancer-predisposing syndrome. Last evaluated: 2022-04-21. Review status: criteria provided, single submitter. Criteria: Ambry Variant Classification Scheme 2023. Collection method: clinical testing. Allele origin: germline.
Comment: The c.688delG pathogenic mutation, located in coding exon 4 of the MSH6 gene, results from a deletion of one nucleotide at nucleotide position 688, causing a translational frameshift with a predicted alternate stop codon (p.E230Kfs*16). This alteration is expected to result in loss of function by premature protein truncation or nonsense-mediated mRNA decay. As such, this alteration is interpreted as a disease-causing mutation.

Literature cited by the submitters: PubMed 18269114 (cited by Labcorp Genetics (formerly Invitae), Labcorp); PubMed 24362816 (cited by Labcorp Genetics (formerly Invitae), Labcorp).